The following is an entry in ClinVar:

ClinVar aggregate classification (germline): Pathogenic/Likely pathogenic. Review status: criteria provided, multiple submitters, no conflicts (2 of 4 stars). 2 submissions from 2 submitters: Pathogenic (1); Likely pathogenic (1). Last evaluated 2021-02-16.

Conditions:
X-linked Alport syndrome (ATS1). Also called: COL4A5-Related Nephropathy; NEPHROPATHY AND DEAFNESS, X-LINKED. Identifiers: Orphanet 63, Orphanet 88917, MedGen C4746986, MONDO:0010520, OMIM 301050.

Submissions (2):

Greenwood Genetic Center Diagnostic Laboratories, Greenwood Genetic Center
Classification: Likely pathogenic. Last evaluated: 2021-02-16. Review status: criteria provided, single submitter. Criteria: ACMG Guidelines, 2015. Collection method: clinical testing. Allele origin: germline. Affected: yes.
Comment: PS4_Supporting, PM1, PM2, PM4

Institute of Human Genetics Munich, TUM University Hospital
Classification: Pathogenic for X-linked Alport syndrome. Last evaluated: 2018-09-25. Review status: criteria provided, single submitter. Criteria: Classification criteria August 2017. Collection method: clinical testing. Allele origin: germline. Inheritance: X-linked inheritance. Affected: yes. Observed: 1 heterozygote.

NM_033380.3(COL4A5):c.4217-1G>A

Gene: COL4A5 (collagen type IV alpha 5 chain; plus strand). Cytogenetic location: Xq22.3.
Variant type: single nucleotide variant.
Coding change: c.4217-1G>A on transcript NM_033380.3 (MANE Select); the canonical splice acceptor site of the intron before coding-DNA position 4217, G replaced by A.
Molecular consequence: splice acceptor variant.
Genome position (GRCh38, 1-based): chrX:108,686,030, G>A. VCF-style: chrX-108686030-G-A. GRCh37 (hg19) VCF-style: chrX-107929260-G-A.
Other names: c.4199-1G>A (NM_000495.5).
Identifiers: ClinVar variation 24714 (VCV000024714.10), dbSNP rs587776402, ClinGen allele CA259003.